The following is an entry in ClinVar:

ClinVar aggregate classification (germline): Likely benign (1 of 4 stars; one submission).

Submission:

CeGaT Center for Human Genetics Tuebingen
Classification: Likely benign. Last evaluated: 2026-04-01. Review status: criteria provided, single submitter. Criteria: CeGaT Center For Human Genetics Tuebingen Variant Classification Criteria Version 2. Collection method: clinical testing. Allele origin: germline. Affected: yes. Observed: 1 variant allele.
Comment: CUL4B: BS2

NM_001079872.2(CUL4B):c.159C>A (p.Asn53Lys)

Genes: CUL4B (cullin 4B; minus strand), LOC113845788 (Sharpr-MPRA regulatory region 11856; plus strand). Cytogenetic location: Xq24.
Variant type: single nucleotide variant.
Coding change: c.159C>A on transcript NM_001079872.2 (MANE Select); coding-DNA position 159, C replaced by A.
Protein change: p.Asn53Lys; replaces asparagine 53 with lysine.
Molecular consequence: missense variant.
Genome position (GRCh38, 1-based): chrX:120,560,480, G>T on the plus strand (C>A on the coding strand, the complement: CUL4B is on the minus strand). VCF-style: chrX-120560480-G-T. GRCh37 (hg19) VCF-style: chrX-119694335-G-T.
Other names: c.174C>A, p.Asn58Lys (NM_001330624.2); c.213C>A, p.Asn71Lys (NM_003588.4); short protein forms N53K, N58K, N71K.
Identifiers: ClinVar variation 4874615 (VCV004874615.2).